The following is an entry in ClinVar:

ClinVar aggregate classification (germline): Uncertain significance (1 of 4 stars; one submission).

Submission:

CeGaT Center for Human Genetics Tuebingen
Classification: Uncertain significance. Last evaluated: 2024-07-01. Review status: criteria provided, single submitter. Criteria: CeGaT Center For Human Genetics Tuebingen Variant Classification Criteria Version 2. Collection method: clinical testing. Allele origin: germline. Affected: yes. Observed: 1 variant allele.
Comment: FAT2: PM2

NM_001447.3(FAT2):c.3064G>T (p.Asp1022Tyr)

Gene: FAT2 (FAT atypical cadherin 2; minus strand). Cytogenetic location: 5q33.1.
Variant type: single nucleotide variant.
Coding change: c.3064G>T on transcript NM_001447.3 (MANE Select); coding-DNA position 3064, G replaced by T.
Protein change: p.Asp1022Tyr; replaces aspartic acid 1022 with tyrosine.
Molecular consequence: missense variant.
Genome position (GRCh38, 1-based): chr5:151,565,868, C>A on the plus strand (G>T on the coding strand, the complement: FAT2 is on the minus strand). VCF-style: chr5-151565868-C-A. GRCh37 (hg19) VCF-style: chr5-150945429-C-A.
Other names: short protein forms D1022Y.
Identifiers: ClinVar variation 3257183 (VCV003257183.17).
Genomic context (GRCh38, chr5:151,565,868, plus strand): 5'-GCACCTGGCCCTGGTGCACGAAGGAGGCAAAGTGGGGAGGGTGGAGATTCTCATTCACAT[C>A]CAGGACGATCACCTCCACATGGCAGAGAGTCCTGCGGGCTAGGGGCCTCCCACCATCACT-3'
Protein context (NP_001438.1, residues 1012-1032): TLCHVEVIVL[Asp1022Tyr]VNENLHPPHF